The following is an entry in ClinVar:

NM_018341.3(ERMARD):c.1846T>C (p.Tyr616His)

Gene: ERMARD (ER membrane associated RNA degradation; plus strand). Cytogenetic location: 6q27.
Variant type: single nucleotide variant.
Coding change: c.1846T>C on transcript NM_018341.3 (MANE Select); coding-DNA position 1846, T replaced by C.
Protein change: p.Tyr616His; replaces tyrosine 616 with histidine.
Molecular consequence: missense variant.
Genome position (GRCh38, 1-based): chr6:169,779,288, T>C. VCF-style: chr6-169779288-T-C. GRCh37 (hg19) VCF-style: chr6-170179384-T-C.
Other names: c.1705T>C, p.Tyr569His (NM_001278531.2); c.1468T>C, p.Tyr490His (NM_001278532.2); c.1627T>C, p.Tyr543His (NM_001278533.2); c.1438T>C, p.Tyr480His (NM_001410957.1); short protein forms Y480H, Y490H, Y543H, Y569H, Y616H.
Identifiers: ClinVar variation 4846789 (VCV004846789.1).
Genomic context (GRCh38, chr6:169,779,288, plus strand): 5'-GCGCTGGAGTTGGTCAACATTCATGCTGTTTGTGGGAAGAATGCGCATGAGTATCAGCAG[T>C]ACCTAAAGTAAGTGTGTCACAGTATGTCTGCAGTCACATTGCATCGTGGGGCAGATTGCG-3'
Protein context (NP_060811.1, residues 606-626): CGKNAHEYQQ[Tyr616His]LKFVKSILQY

ClinVar aggregate classification (germline): Uncertain significance (1 of 4 stars; one submission).

Conditions:
Periventricular nodular heterotopia 6 (PVNH6). Identifiers: Orphanet 2149, MedGen C3809872, MONDO:0014240, OMIM 615544.

gnomAD v4.1: 1 of 1,613,868 alleles (0.000062%); highest among the groups gnomAD compares: African/African-American, 0.0013%; no homozygotes.

Submission:

Laboratorio de Genetica e Diagnostico Molecular, Hospital Israelita Albert Einstein
Classification: Uncertain significance for Periventricular nodular heterotopia 6. Last evaluated: 2025-06-12. Review status: criteria provided, single submitter. Criteria: ACMG Guidelines, 2015. Collection method: clinical testing. Allele origin: germline. Affected: yes.
Comment: ACMG classification criteria: PM2 supporting, BP4 supporting